The following is an entry in ClinVar:

NM_012079.6(DGAT1):c.750C>T (p.Arg250=)

Gene: DGAT1 (diacylglycerol O-acyltransferase 1; minus strand). Cytogenetic location: 8q24.3.
Variant type: single nucleotide variant.
Coding change: c.750C>T on transcript NM_012079.6 (MANE Select); coding-DNA position 750, C replaced by T.
Protein change: p.Arg250=; no amino-acid change (arginine 250 retained).
Molecular consequence: synonymous variant.
Genome position (GRCh38, 1-based): chr8:144,318,096, G>A on the plus strand (C>T on the coding strand, the complement: DGAT1 is on the minus strand). VCF-style: chr8-144318096-G-A. GRCh37 (hg19) VCF-style: chr8-145541759-G-A.
Other names: p.Arg250=; c.750C>T (NM_012079.5).
Identifiers: ClinVar variation 1450684 (VCV001450684.9), dbSNP rs782707652, ClinGen allele CA4936873.

ClinVar aggregate classification (germline): Likely benign. Review status: criteria provided, multiple submitters, no conflicts (2 of 4 stars). 3 submissions from 3 submitters: Likely benign (2). 1 of the submissions does not count toward it. Last evaluated 2025-12-08.

Conditions:
DGAT1-related disorder. Also called: DGAT1-related condition.

Allele frequency attached by ClinVar (database versions not stated): ExAC 0.00004.
gnomAD v4.1: 45 of 1,530,056 alleles (0.0029%); highest among the groups gnomAD compares: Middle Eastern, 0.053%; no homozygotes.

Submissions (3):

Labcorp Genetics (formerly Invitae), Labcorp
Classification: Likely benign. Last evaluated: 2025-12-08. Review status: criteria provided, single submitter. Criteria: Invitae Variant Classification Sherloc (09022015). Collection method: clinical testing. Allele origin: germline.

Mayo Clinic Laboratories, Mayo Clinic
Classification: Likely benign. Last evaluated: 2025-07-07. Review status: criteria provided, single submitter. Criteria: ACMG Guidelines, 2015. Collection method: clinical testing. Allele origin: germline. Observed: 1 variant allele.
Comment: BP4, BP7

PreventionGenetics, part of Exact Sciences
Classification: Likely benign for DGAT1-related condition. Last evaluated: 2019-07-10. Review status: no assertion criteria provided. Collection method: clinical testing. Allele origin: germline. Not counted in ClinVar's aggregate classification.
Comment: This variant is classified as likely benign based on ACMG/AMP sequence variant interpretation guidelines (Richards et al. 2015 PMID: 25741868, with internal and published modifications).